The following is an entry in ClinVar:

ClinVar aggregate classification (germline): Likely benign. Review status: criteria provided, multiple submitters, no conflicts (2 of 4 stars). 4 submissions from 4 submitters: Likely benign (4). Last evaluated 2025-09-02.

Conditions:
NRL-related disorder. Also called: NRL-related condition.
Retinal dystrophy. Also called: Inherited retinal dystrophy. Identifiers: Orphanet 71862, MedGen C0854723, MeSH D058499, MONDO:0019118, HP:0000556.

Allele frequency attached by ClinVar (database versions not stated): gnomAD exomes 0.00007 and 0.00023; ExAC 0.00008; gnomAD 0.00014 and 0.00017; TOPMed 0.00019; ESP Exome Variant Server 0.00031.
gnomAD v4.1: 368 of 1,613,920 alleles (0.023%); highest among the groups gnomAD compares: Non-Finnish European, 0.028%; no homozygotes.

Submissions (4):

Labcorp Genetics (formerly Invitae), Labcorp
Classification: Likely benign. Last evaluated: 2025-09-02. Review status: criteria provided, single submitter. Criteria: Invitae Variant Classification Sherloc (09022015). Collection method: clinical testing. Allele origin: germline.

PreventionGenetics, part of Exact Sciences
Classification: Likely benign for NRL-related condition. Last evaluated: 2024-10-04. Review status: criteria provided, single submitter. Criteria: ACMG Guidelines, 2015. Collection method: clinical testing. Allele origin: germline.
Comment: This variant is classified as likely benign based on ACMG/AMP sequence variant interpretation guidelines (Richards et al. 2015 PMID: 25741868, with internal and published modifications).

Dept Of Ophthalmology, Nagoya University
Classification: Likely benign for Retinal dystrophy. Last evaluated: 2023-10-01. Review status: criteria provided, single submitter. Criteria: Submitter's publication. Collection method: research. Allele origin: germline. Affected: yes.

Blueprint Genetics
Classification: Likely benign. Last evaluated: 2023-08-07. Review status: criteria provided, single submitter. Criteria: ACMG Guidelines, 2015. Collection method: clinical testing. Allele origin: germline.

NM_001354768.3(NRL):c.186C>T (p.Thr62=)

Gene: NRL (neural retina leucine zipper; minus strand). Cytogenetic location: 14q11.2.
Variant type: single nucleotide variant.
Coding change: c.186C>T on transcript NM_001354768.3 (MANE Select); coding-DNA position 186, C replaced by T.
Protein change: p.Thr62=; no amino-acid change (threonine 62 retained).
Molecular consequence: synonymous variant. On other transcripts: intron variant (1).
Genome position (GRCh38, 1-based): chr14:24,082,663, G>A on the plus strand (C>T on the coding strand, the complement: NRL is on the minus strand). VCF-style: chr14-24082663-G-A. GRCh37 (hg19) VCF-style: chr14-24551872-G-A.
Other names: c.186C>T, p.Thr62= (NM_001354769.1, NM_006177.5); c.66+120C>T (NM_001354770.2).
Identifiers: ClinVar variation 724215 (VCV000724215.13), dbSNP rs140765019, ClinGen allele CA7122914.